The following is an entry in ClinVar:

NM_006709.5(EHMT2):c.3487_3492del (p.Ser1163_Lys1164del)

Genes: EHMT2 (euchromatic histone lysine methyltransferase 2; minus strand), EHMT2-AS1 (EHMT2 and SLC44A4 antisense RNA 1; plus strand). Cytogenetic location: 6p21.33.
Variant type: Deletion.
Coding change: c.3487_3492del on transcript NM_006709.5 (MANE Select); coding-DNA positions 3487 to 3492, 6 bases deleted (AGCAAA; older notation c.3487_3492delAGCAAA).
Protein change: p.Ser1163_Lys1164del.
Genome position (GRCh38, 1-based): chr6:31,880,225-31,880,230, TTTGCT deleted on the plus strand (AGCAAA on the coding strand, the reverse complement: EHMT2 is on the minus strand); deleting any 6 consecutive bases within chr6:31,880,225-31,880,234 gives the same sequence; the c. name uses the placement nearest the transcript's 3' end. VCF-style (leftmost placement, unchanged base first): chr6-31880224-ATTTGCT-A. GRCh37 (hg19) VCF-style: chr6-31848001-ATTTGCT-A.
Other names: c.3382_3387del, p.Ser1128_Lys1129del (NM_001395164.1); c.3229_3234del, p.Ser1077_Lys1078del (NM_001395165.1); c.3385_3390del, p.Ser1129_Lys1130del (NM_025256.7); c.3556_3561del, p.Ser1186_Lys1187del (NM_001289413.2); c.2881_2886del, p.Ser961_Lys962del (NM_001318833.2); c.3658_3663del, p.Ser1220_Lys1221del (NM_001363689.2); c.3508_3513del, p.Ser1170_Lys1171del (NM_001395160.1); c.3424_3429del, p.Ser1142_Lys1143del (NM_001395161.1); and 2 more.
Identifiers: ClinVar variation 4057270 (VCV004057270.1).
Genomic context (GRCh38, chr6:31,880,224, plus strand): 5'-CCAGGGCAATGGCTTCGGCTGAGTGCTTGCACTTCTCAGAGCCACATTGGCAGGTGAAAT[ATTTGCT>A]TTTGATGTCCCAGAAGCGGTCGCCATAGTCAAACCTGTCAGAGGAAAACAGGAGCTTGTG-3'

ClinVar aggregate classification (germline): Pathogenic (1 of 4 stars; one submission).

Conditions:
Kleefstra-like syndrome.

Submission:

Research Unit for Rare Diseases, 1st Faculty of Medicine, Charles University in Prague
Classification: Pathogenic for Kleefstra-like syndrome. Last evaluated: 2025-07-07. Review status: criteria provided, single submitter. Criteria: ACMG Guidelines, 2015. Collection method: clinical testing. Allele origin: de novo. Inheritance: Autosomal dominant inheritance. Affected: yes.
Comment: De-novo variant not present in the databases, episignature profile overlaping with Kleefstra syndrome and clustering together with other EHMT2 pathogenic variants, histone modification and transcriptome analyses resembling Kleefstra syndrome, structural and biochemical analyses showing loss of enzymatic activity, mouse model recapitulating some major features of patients` phenotype